The following is an entry in ClinVar:

ClinVar aggregate classification (germline): Uncertain significance (1 of 4 stars; one submission).

Allele frequency attached by ClinVar (database versions not stated): gnomAD exomes below 0.00001; ExAC 0.00001; gnomAD 0.00001; 1000 Genomes Project 30x 0.00016; 1000 Genomes Project 0.00020.
gnomAD v4.1: 2 of 1,613,654 alleles (0.00012%); highest among the groups gnomAD compares: African/African-American, 0.0027%; no homozygotes.

Submission:

GeneDx
Classification: Uncertain significance. Last evaluated: 2023-03-01. Review status: criteria provided, single submitter. Criteria: GeneDx Variant Classification Process June 2021. Collection method: clinical testing. Allele origin: germline. Affected: yes.
Comment: Not observed at significant frequency in large population cohorts (gnomAD); Missense variant in a gene in which most reported pathogenic variants are truncating/loss of function; Has not been previously published as pathogenic or benign to our knowledge

NM_001267550.2(TTN):c.13000C>G (p.Leu4334Val)

Gene: TTN (titin; minus strand). Cytogenetic location: 2q31.2.
Variant type: single nucleotide variant.
Coding change: c.13000C>G on transcript NM_001267550.2 (MANE Select); coding-DNA position 13000, C replaced by G.
Protein change: p.Leu4334Val; replaces leucine 4334 with valine.
Molecular consequence: missense variant. On other transcripts: intron variant (1).
Genome position (GRCh38, 1-based): chr2:178,740,233, G>C on the plus strand (C>G on the coding strand, the complement: TTN is on the minus strand). VCF-style: chr2-178740233-G-C. GRCh37 (hg19) VCF-style: chr2-179604960-G-C.
Other names: c.12049C>G, p.Leu4017Val (NM_001256850.1); c.11911C>G, p.Leu3971Val (NM_003319.4); c.12286C>G, p.Leu4096Val (NM_133432.3); c.12487C>G, p.Leu4163Val (NM_133437.4); c.10361-1873C>G (NM_133378.4); short protein forms L3971V, L4017V, L4096V, L4163V, L4334V.
Identifiers: ClinVar variation 2578239 (VCV002578239.1), dbSNP rs557686550, ClinGen allele CA2002638.
Genomic context (GRCh38, chr2:178,740,233, plus strand): 5'-CTGGGGGCATCACCACGTTGTCAGAATGCTCTTCTTTGAGCAGTACCTGCTTTTCTTCAA[G>C]TGCTAGTGGAAATCTTAAGGACTTGCCTTCCTCAATTCTGACCGCAGAATCTTGCCCTGC-3'
Protein context (NP_001254479.2, residues 4324-4344): EGKSLRFPLA[Leu4334Val]EEKQVLLKEE